The following is an entry in ClinVar:

NM_015627.3(LDLRAP1):c.102C>A (p.Asn34Lys)

Gene: LDLRAP1 (low density lipoprotein receptor adaptor protein 1; plus strand). Cytogenetic location: 1p36.11.
Variant type: single nucleotide variant.
Coding change: c.102C>A on transcript NM_015627.3 (MANE Select); coding-DNA position 102, C replaced by A.
Protein change: p.Asn34Lys; replaces asparagine 34 with lysine.
Molecular consequence: missense variant.
Genome position (GRCh38, 1-based): chr1:25,553,935, C>A. VCF-style: chr1-25553935-C-A. GRCh37 (hg19) VCF-style: chr1-25880426-C-A.
Other names: short protein forms N34K.
Identifiers: ClinVar variation 1770622 (VCV001770622.3), dbSNP rs572168391, ClinGen allele CA695431.

ClinVar aggregate classification (germline): Uncertain significance. Review status: criteria provided, multiple submitters, no conflicts (2 of 4 stars). 2 submissions from 2 submitters: Uncertain significance (2). Last evaluated 2024-08-27.

Conditions:
Cardiovascular phenotype. Identifiers: MedGen CN230736.

Allele frequency attached by ClinVar (database versions not stated): gnomAD exomes below 0.00001; ExAC 0.00001; TOPMed 0.00002; gnomAD 0.00003; 1000 Genomes Project 30x 0.00016; 1000 Genomes Project 0.00020.
gnomAD v4.1: 5 of 1,613,926 alleles (0.00031%); highest among the groups gnomAD compares: African/African-American, 0.0067%; no homozygotes.

Submissions (2):

Women's Health and Genetics/Laboratory Corporation of America, LabCorp
Classification: Uncertain significance. Last evaluated: 2024-08-27. Review status: criteria provided, single submitter. Criteria: LabCorp Variant Classification Summary - May 2015. Collection method: clinical testing. Allele origin: germline.

Ambry Genetics
Classification: Uncertain significance for Cardiovascular phenotype. Last evaluated: 2022-06-06. Review status: criteria provided, single submitter. Criteria: Ambry Variant Classification Scheme 2023. Collection method: clinical testing. Allele origin: germline.
Comment: The p.N34K variant (also known as c.102C>A), located in coding exon 2 of the LDLRAP1 gene, results from a C to A substitution at nucleotide position 102. The asparagine at codon 34 is replaced by lysine, an amino acid with similar properties. This amino acid position is conserved. In addition, this alteration is predicted to be tolerated by in silico analysis. Since supporting evidence is limited at this time, the clinical significance of this alteration remains unclear.